The following is an entry in ClinVar:

NM_000383.4(AIRE):c.1271del (p.Gly424fs)

Gene: AIRE (autoimmune regulator; plus strand). Cytogenetic location: 21q22.3.
Variant type: Deletion.
Coding change: c.1271del on transcript NM_000383.4 (MANE Select); coding-DNA position 1271, one base deleted (G; older notation c.1271delG).
Protein change: p.Gly424fs; shifts the reading frame from glycine 424.
Molecular consequence: frameshift variant.
Genome position (GRCh38, 1-based): chr21:44,293,168, G deleted; the last of 3 consecutive G bases (chr21:44,293,166-44,293,168); deleting any one gives the same sequence. VCF-style (leftmost placement, unchanged base first): chr21-44293165-AG-A. GRCh37 (hg19) VCF-style: chr21-45713048-AG-A.
Other names: short protein forms G424fs.
Identifiers: ClinVar variation 2830292 (VCV002830292.3), dbSNP rs2517884900, ClinGen allele CA2739267716.

ClinVar aggregate classification (germline): Pathogenic (1 of 4 stars; one submission).

Conditions:
Polyglandular autoimmune syndrome, type 1 (APS1). Also called: Autoimmune polyendocrinopathy syndrome , type I, with or without reversible metaphyseal dysplasia; HYPOADRENOCORTICISM WITH HYPOPARATHYROIDISM AND SUPERFICIAL MONILIASIS; PGA I; Autoimmune polyendocrine syndrome type 1; Autoimmune polyendocrinopathy syndrome, type I; AUTOIMMUNE POLYENDOCRINE SYNDROME, TYPE I, WITH OR WITHOUT REVERSIBLE METAPHYSEAL DYSPLASIA. Identifiers: Orphanet 3453, MedGen C0085859, MONDO:0009411, OMIM 240300.

Submission:

Labcorp Genetics (formerly Invitae), Labcorp
Classification: Pathogenic for Polyglandular autoimmune syndrome, type 1. Last evaluated: 2023-01-19. Review status: criteria provided, single submitter. Criteria: Invitae Variant Classification Sherloc (09022015). Collection method: clinical testing. Allele origin: germline.
Comment: For these reasons, this variant has been classified as Pathogenic. Algorithms developed to predict the effect of sequence changes on RNA splicing suggest that this variant may create or strengthen a splice site. This variant has not been reported in the literature in individuals affected with AIRE-related conditions. This variant is not present in population databases (gnomAD no frequency). This sequence change creates a premature translational stop signal (p.Gly424Valfs*56) in the AIRE gene. It is expected to result in an absent or disrupted protein product. Loss-of-function variants in AIRE are known to be pathogenic (PMID: 11524731, 26141571).

Literature cited by the submitters: PubMed 11524731; PubMed 26141571.